The following is an entry in ClinVar:

NM_016333.4(SRRM2):c.5824dup (p.Thr1942fs)

Gene: SRRM2 (serine/arginine repetitive matrix 2; plus strand). Cytogenetic location: 16p13.3.
Variant type: Duplication.
Coding change: c.5824dup on transcript NM_016333.4 (MANE Select); coding-DNA position 5824, one base duplicated (A; older notation c.5824dupA).
Protein change: p.Thr1942fs; shifts the reading frame from threonine 1942.
Molecular consequence: frameshift variant.
Genome position (GRCh38, 1-based): chr16:2,766,352, A duplicated; the last of 2 consecutive A bases (chr16:2,766,351-2,766,352); duplicating either gives the same sequence. VCF-style (leftmost placement, unchanged base first): chr16-2766350-C-CA. GRCh37 (hg19) VCF-style: chr16-2816351-C-CA.
Other names: short protein forms T1942fs.
Identifiers: ClinVar variation 4293574 (VCV004293574.1).

ClinVar aggregate classification (germline): Likely pathogenic (1 of 4 stars; one submission).

Conditions:
Intellectual developmental disorder, autosomal dominant 72 (MRD72). Identifiers: Orphanet 652487, MedGen C5830612, MONDO:0957397, OMIM 620439.

Submission:

3billion
Classification: Likely pathogenic for Intellectual developmental disorder, autosomal dominant 72. Last evaluated: 2024-10-23. Review status: criteria provided, single submitter. Criteria: ACMG Guidelines, 2015. Collection method: clinical testing. Allele origin: germline. Affected: yes.
Comment: The variant is not observed in the gnomAD v4.1.0 dataset. Predicted Consequence/Location: Frameshift: predicted to result in a loss or disruption of normal protein function through nonsense-mediated decay (NMD) or protein truncation. Multiple pathogenic variants are reported downstream of the variant. Therefore, this variant is classified as Likely pathogenic according to the recommendation of ACMG/AMP guideline.